The following is an entry in ClinVar:

NM_006662.3(SRCAP):c.7781C>G (p.Pro2594Arg)

Gene: SRCAP (Snf2 related CREBBP activator protein; plus strand). Cytogenetic location: 16p11.2.
Variant type: single nucleotide variant.
Coding change: c.7781C>G on transcript NM_006662.3 (MANE Select); coding-DNA position 7781, C replaced by G.
Protein change: p.Pro2594Arg; replaces proline 2594 with arginine.
Molecular consequence: missense variant.
Genome position (GRCh38, 1-based): chr16:30,737,821, C>G. VCF-style: chr16-30737821-C-G. GRCh37 (hg19) VCF-style: chr16-30749142-C-G.
Other names: short protein forms P2594R.
Identifiers: ClinVar variation 3355359 (VCV003355359.1).

ClinVar aggregate classification (germline): Uncertain significance (0 of 4 stars; one submission).

Conditions:
SRCAP-related disorder. Also called: SRCAP-related condition.

gnomAD v4.1: 2 of 1,614,194 alleles (0.00012%); highest among the groups gnomAD compares: Non-Finnish European, 0.00017%; no homozygotes.

Submission:

PreventionGenetics, part of Exact Sciences
Classification: Uncertain significance for SRCAP-related condition. Last evaluated: 2024-09-25. Review status: no assertion criteria provided. Collection method: clinical testing. Allele origin: germline.
Comment: The SRCAP c.7781C>G variant is predicted to result in the amino acid substitution p.Pro2594Arg. To our knowledge, this variant has not been reported in the literature. This variant is reported in 0.00088% of alleles in individuals of European (Non-Finnish) descent in gnomAD. At this time, the clinical significance of this variant is uncertain due to the absence of conclusive functional and genetic evidence.